The following is an entry in ClinVar:

NM_020208.4(SLC6A20):c.*599G>A

Gene: SLC6A20 (solute carrier family 6 member 20; minus strand). Cytogenetic location: 3p21.31.
Variant type: single nucleotide variant.
Coding change: c.*599G>A on transcript NM_020208.4 (MANE Select); 599 bases downstream of the stop codon, G replaced by A.
Molecular consequence: 3 prime UTR variant.
Genome position (GRCh38, 1-based): chr3:45,758,379, C>T on the plus strand (G>A on the coding strand, the complement: SLC6A20 is on the minus strand). VCF-style: chr3-45758379-C-T. GRCh37 (hg19) VCF-style: chr3-45799871-C-T.
Other names: c.*599G>A (NM_022405.4).
Identifiers: ClinVar variation 345387 (VCV000345387.6), dbSNP rs2251347, ClinGen allele CA10618609.

ClinVar aggregate classification (germline): Benign. Review status: criteria provided, multiple submitters, no conflicts (2 of 4 stars). 2 submissions from 2 submitters: Benign (2). Last evaluated 2018-01-13.

Conditions:
Hyperglycinuria. Also called: GLYCINURIA WITH OR WITHOUT OXALATE NEPHROLITHIASIS; GLYCINURIA WITH OR WITHOUT OXALATE UROLITHIASIS; IMINOGLYCINURIA TYPE II. Identifiers: MedGen C0543541, MONDO:0007677, OMIM 138500, HP:0003108.

Allele frequency attached by ClinVar (database versions not stated): 1000 Genomes Project 0.96346; gnomAD 0.96370 and 0.96400; TOPMed 0.96408; 1000 Genomes Project 30x 0.96440.
gnomAD v4.1: 1,204,794 of 1,261,720 alleles (95%); highest among the groups gnomAD compares: African/African-American, 98%; 575,317 homozygotes.

Submissions (2):

Illumina Laboratory Services, Illumina
Classification: Benign for Hyperglycinuria. Last evaluated: 2018-01-13. Review status: criteria provided, single submitter. Criteria: ICSL Variant Classification Criteria 13 December 2019. Collection method: clinical testing. Allele origin: germline.
Comment: This variant was observed in the ICSL laboratory as part of a predisposition screen in an ostensibly healthy population. It had not been previously curated by ICSL or reported in the Human Gene Mutation Database (HGMD: prior to June 1st, 2018), and was therefore a candidate for classification through an automated scoring system. Utilizing variant allele frequency, disease prevalence and penetrance estimates, and inheritance mode, an automated score was calculated to assess if this variant is too frequent to cause the disease. Based on the score and internal cut-off values, a variant classified as benign is not then subjected to further curation. The score for this variant resulted in a classification of benign for this disease.

Breakthrough Genomics
Classification: Benign. Review status: criteria provided, single submitter. Criteria: ACMG Guidelines, 2015. Collection method: not provided. Allele origin: germline. Inheritance: Autosomal recessive inheritance. Affected: yes.